The following is an entry in ClinVar:

ClinVar aggregate classification (germline): Uncertain significance (1 of 4 stars; one submission).

Conditions:
Primary ciliary dyskinesia 28. Also called: CILIARY DYSKINESIA, PRIMARY, 28, WITH OR WITHOUT SITUS INVERSUS. Identifiers: Orphanet 244, MedGen C3809706, MONDO:0014216, OMIM 615505.

Submission:

Labcorp Genetics (formerly Invitae), Labcorp
Classification: Uncertain significance for Primary ciliary dyskinesia 28. Last evaluated: 2025-10-17. Review status: criteria provided, single submitter. Criteria: Invitae Variant Classification Sherloc (09022015). Collection method: clinical testing. Allele origin: germline.
Comment: This variant, c.443_460dup, results in the insertion of 6 amino acid(s) of the SPAG1 protein (p.Arg148_Lys153dup), but otherwise preserves the integrity of the reading frame. This variant is not present in population databases (gnomAD no frequency). This variant has not been reported in the literature in individuals affected with SPAG1-related conditions. In summary, the available evidence is currently insufficient to determine the role of this variant in disease. Therefore, it has been classified as a Variant of Uncertain Significance.

NM_003114.5(SPAG1):c.443_460dup (p.Lys153_Thr154insArgProThrLysLysLys)

Gene: SPAG1 (sperm associated antigen 1; plus strand). Cytogenetic location: 8q22.2.
Variant type: Duplication.
Coding change: c.443_460dup on transcript NM_003114.5 (MANE Select); coding-DNA positions 443 to 460, 18 bases duplicated (GACCAACTAAAAAGAAAA).
Protein change: p.Lys153_Thr154insArgProThrLysLysLys.
Molecular consequence: inframe insertion.
Genome position (GRCh38, 1-based): chr8:100,183,391-100,183,408, GACCAACTAAAAAGAAAA duplicated; duplicating any 18 consecutive bases within chr8:100,183,387-100,183,408 gives the same sequence; the c. name uses the placement nearest the transcript's 3' end. VCF-style (leftmost placement, unchanged base first): chr8-100183386-T-TAAAAGACCAACTAAAAAG. GRCh37 (hg19) VCF-style: chr8-101195614-T-TAAAAGACCAACTAAAAAG.
Other names: c.443_460dup, p.Lys153_Thr154insArgProThrLysLysLys (NM_001374321.1, NM_172218.3).
Identifiers: ClinVar variation 4729179 (VCV004729179.1).